The following is an entry in ClinVar:

NM_000548.5(TSC2):c.2355+3A>G

Gene: TSC2 (TSC complex subunit 2; plus strand). Cytogenetic location: 16p13.3.
Variant type: single nucleotide variant.
Coding change: c.2355+3A>G on transcript NM_000548.5 (MANE Select); 3 bases into the intron after coding-DNA position 2355, A replaced by G.
Molecular consequence: intron variant.
Genome position (GRCh38, 1-based): chr16:2,072,986, A>G. VCF-style: chr16-2072986-A-G. GRCh37 (hg19) VCF-style: chr16-2122987-A-G.
Other names: c.2355+3A>G (NM_001114382.3, NM_021055.3, NM_001370405.1 and 3 more transcripts); c.2244+3A>G (NM_001318827.2); c.1755+3A>G (NM_001318831.2); c.2208+3A>G (NM_001318829.2); c.2388+3A>G (NM_001318832.2).
Identifiers: ClinVar variation 1790060 (VCV001790060.6), dbSNP rs2151329166, ClinGen allele CA2580090826.

ClinVar aggregate classification (germline): Uncertain significance. Review status: criteria provided, multiple submitters, no conflicts (2 of 4 stars). 2 submissions from 2 submitters: Uncertain significance (2). Last evaluated 2025-12-01.

Conditions:
Hereditary cancer-predisposing syndrome. Also called: Neoplastic Syndromes, Hereditary; Tumor predisposition; Hereditary neoplastic syndrome; Hereditary Cancer Syndrome. Identifiers: Orphanet 140162, MedGen C0027672, MeSH D009386, MONDO:0015356.
Tuberous sclerosis 2 (TSC2). Identifiers: Orphanet 805, MedGen C1860707, MONDO:0013199, OMIM 613254.

Allele frequency attached by ClinVar (database versions not stated): gnomAD exomes below 0.00001.
gnomAD v4.1: 1 of 1,613,368 alleles (0.000062%); highest among the groups gnomAD compares: South Asian, 0.0011%; no homozygotes.

Submissions (2):

Labcorp Genetics (formerly Invitae), Labcorp
Classification: Uncertain significance for Tuberous sclerosis 2. Last evaluated: 2025-12-01. Review status: criteria provided, single submitter. Criteria: Invitae Variant Classification Sherloc (09022015). Collection method: clinical testing. Allele origin: germline.
Comment: This sequence change falls in intron 21 of the TSC2 gene. It does not directly change the encoded amino acid sequence of the TSC2 protein. It affects a nucleotide within the consensus splice site. This variant is not present in population databases (gnomAD no frequency). This variant has not been reported in the literature in individuals affected with TSC2-related conditions. ClinVar contains an entry for this variant (Variation ID: 1790060). Variants that disrupt the consensus splice site are a relatively common cause of aberrant splicing (PMID: 17576681, 9536098). Algorithms developed to predict the effect of sequence changes on RNA splicing suggest that this variant may disrupt the consensus splice site. In summary, the available evidence is currently insufficient to determine the role of this variant in disease. Therefore, it has been classified as a Variant of Uncertain Significance.

Ambry Genetics
Classification: Uncertain significance for Hereditary cancer-predisposing syndrome. Last evaluated: 2025-04-23. Review status: criteria provided, single submitter. Criteria: Ambry Variant Classification Scheme 2023. Collection method: clinical testing. Allele origin: germline.
Comment: The c.2355+3A>G intronic variant results from an A to G substitution 3 nucleotides after coding exon 20 in the TSC2 gene. This nucleotide position is not well conserved in available vertebrate species. In silico splice site analysis for this alteration is inconclusive and direct evidence is insufficient at this time (Ambry internal data). Based on the available evidence, the clinical significance of this variant remains unclear.

Literature cited by the submitters: PubMed 17576681 (cited by Labcorp Genetics (formerly Invitae), Labcorp); PubMed 9536098 (cited by Labcorp Genetics (formerly Invitae), Labcorp).